The following is an entry in ClinVar:

ClinVar aggregate classification (germline): Pathogenic (1 of 4 stars; one submission).

Conditions:
Irido-corneo-trabecular dysgenesis (ASGD5). Also called: ANTERIOR SEGMENT DYSGENESIS 5. Identifiers: Orphanet 708, MedGen C0344559, MONDO:0011414, OMIM 604229, HP:0000659.
Aniridia 1 (AN1). Identifiers: Orphanet 250923, MedGen C0344542, MONDO:0024507, OMIM 106210.

Submission:

Labcorp Genetics (formerly Invitae), Labcorp
Classification: Pathogenic for Aniridia 1; Irido-corneo-trabecular dysgenesis. Last evaluated: 2019-02-10. Review status: criteria provided, single submitter. Criteria: Invitae Variant Classification Sherloc (09022015). Collection method: clinical testing. Allele origin: germline.
Comment: For these reasons, this variant has been classified as Pathogenic. Loss-of-function variants in PAX6 are known to be pathogenic (PMID: 12634864). This variant has not been reported in the literature in individuals with PAX6-related conditions. This variant is not present in population databases (ExAC no frequency). This sequence change creates a premature translational stop signal (p.Leu106Tyrfs*11) in the PAX6 gene. It is expected to result in an absent or disrupted protein product.

Literature cited by the submitters: PubMed 12634864.

NM_001368894.2(PAX6):c.358_359insA (p.Leu120fs)

Gene: PAX6 (paired box 6; minus strand). Cytogenetic location: 11p13.
Variant type: Insertion.
Coding change: c.358_359insA on transcript NM_001368894.2 (MANE Select); coding-DNA positions 358 to 359, A inserted.
Protein change: p.Leu120fs; shifts the reading frame from leucine 120.
Molecular consequence: frameshift variant. On other transcripts: 5 prime UTR variant (14), intron variant (8), non-coding transcript variant (2).
Genome position: GRCh38 VCF-style: chr11-31801601-A-AT. GRCh37 (hg19) VCF-style: chr11-31823149-A-AT.
Other names: c.-93_-92insA (NM_001368900.2, NM_001368901.2, NM_001368903.2 and 8 more transcripts); c.-424_-423insA (NM_001368902.2, NM_001368905.2, NM_001310160.2); c.198+160_198+161insA (NM_001368922.2, NM_001368925.2, NM_001368921.2 and 4 more transcripts); c.156+160_156+161insA (NM_001368928.2); c.559_560insA, p.Leu187fs (NM_001368910.2); c.361_362insA, p.Leu121fs (NM_001368911.2); c.358_359insA, p.Leu120fs (NM_001368912.2, NM_001368913.2, NM_001368914.2 and 6 more transcripts); c.316_317insA, p.Leu106fs (NM_001368915.2, NM_001368916.2, NM_001368917.2 and 10 more transcripts); and 2 more; short protein forms L120fs, L131fs, L106fs, L121fs, L145fs, L187fs.
Identifiers: ClinVar variation 835201 (VCV000835201.7), dbSNP rs1953896100, ClinGen allele CA916082351.